The following is an entry in ClinVar:

ClinVar aggregate classification (germline): Likely benign. Review status: criteria provided, multiple submitters, no conflicts (2 of 4 stars). 4 submissions from 4 submitters: Likely benign (4). Last evaluated 2026-01-19.

Conditions:
Nemaline myopathy 2 (NEM2). Also called: Nemaline myopathy 2, autosomal recessive. Identifiers: MedGen C1850569, MONDO:0009725, OMIM 256030.

Allele frequency attached by ClinVar (database versions not stated): gnomAD exomes 0.00009 and 0.00013; gnomAD 0.00012; ExAC 0.00019; TOPMed 0.00019.
gnomAD v4.1: 188 of 1,495,578 alleles (0.013%); highest among the groups gnomAD compares: Non-Finnish European, 0.015%; 1 homozygote.

Submissions (4):

Labcorp Genetics (formerly Invitae), Labcorp
Classification: Likely benign for Nemaline myopathy 2. Last evaluated: 2026-01-19. Review status: criteria provided, single submitter. Criteria: Invitae Variant Classification Sherloc (09022015). Collection method: clinical testing. Allele origin: germline.

CeGaT Center for Human Genetics Tuebingen
Classification: Likely benign. Last evaluated: 2025-03-01. Review status: criteria provided, single submitter. Criteria: CeGaT Center For Human Genetics Tuebingen Variant Classification Criteria Version 2. Collection method: clinical testing. Allele origin: germline. Affected: yes. Observed: 1 variant allele.
Comment: NEB: BP4

Blueprint Genetics
Classification: Likely benign. Last evaluated: 2024-11-13. Review status: criteria provided, single submitter. Criteria: ACMG Guidelines, 2015. Collection method: clinical testing. Allele origin: germline.

PreventionGenetics, part of Exact Sciences
Classification: Likely benign. Review status: criteria provided, single submitter. Criteria: ACMG Guidelines, 2015. Collection method: clinical testing. Allele origin: germline.

NM_001164508.2(NEB):c.24108T>C (p.Phe8036=)

Genes: NEB (nebulin; minus strand), RIF1 (replication timing regulatory factor 1; plus strand). Cytogenetic location: 2q23.3.
Variant type: single nucleotide variant.
Coding change: c.24108T>C on transcript NM_001164508.2 (MANE Select); coding-DNA position 24108, T replaced by C.
Protein change: p.Phe8036=; no amino-acid change (phenylalanine 8036 retained).
Molecular consequence: synonymous variant. On other transcripts: intron variant (1).
Genome position (GRCh38, 1-based): chr2:151,499,304, A>G on the plus strand (T>C on the coding strand, the complement: NEB is on the minus strand). VCF-style: chr2-151499304-A-G. GRCh37 (hg19) VCF-style: chr2-152355818-A-G.
Other names: c.24108T>C, p.Phe8036= (NM_001164507.2); c.24213T>C, p.Phe8071= (NM_001271208.2); c.18826-2936T>C (NM_004543.5).
Identifiers: ClinVar variation 257802 (VCV000257802.20), dbSNP rs748169663, ClinGen allele CA1906153.
Genomic context (GRCh38, chr2:151,499,304, plus strand): 5'-AATCTTTTTAAACATTTTTTTAAATAATTAAAGGGATTTTTTATTTTTAAATACCGAACT[A>G]AAGTTTTCTTGATTGTGTTTGACTCTCTCCATCTCTGGAGTGATGGGGATTGGAATCCCT-3'
Protein context (NP_001157980.2, residues 8026-8046): MERVKHNQEN[Phe8036=]SSVLYKENLG